The following is an entry in ClinVar:

NM_000089.4(COL1A2):c.1264A>G (p.Ser422Gly)

Gene: COL1A2 (collagen type I alpha 2 chain; plus strand). Cytogenetic location: 7q21.3.
Variant type: single nucleotide variant.
Coding change: c.1264A>G on transcript NM_000089.4 (MANE Select); coding-DNA position 1264, A replaced by G.
Protein change: p.Ser422Gly; replaces serine 422 with glycine.
Molecular consequence: missense variant.
Genome position (GRCh38, 1-based): chr7:94,411,068, A>G. VCF-style: chr7-94411068-A-G. GRCh37 (hg19) VCF-style: chr7-94040380-A-G.
Other names: short protein forms S422G.
Identifiers: ClinVar variation 5034731 (VCV005034731.1).

ClinVar aggregate classification (germline): Uncertain significance (1 of 4 stars; one submission).

Conditions:
Cardiovascular phenotype. Identifiers: MedGen CN230736.

gnomAD v4.1: 2 of 1,591,998 alleles (0.00013%); highest among the groups gnomAD compares: African/African-American, 0.0028%; no homozygotes.

Submission:

Ambry Genetics
Classification: Uncertain significance for Cardiovascular phenotype. Last evaluated: 2026-07-21. Review status: criteria provided, single submitter. Criteria: Ambry Variant Classification Scheme 2023. Collection method: clinical testing. Allele origin: germline.
Comment: The p.S422G variant (also known as c.1264A>G), located in coding exon 23 of the COL1A2 gene, results from an A to G substitution at nucleotide position 1264. The serine at codon 422 is replaced by glycine, an amino acid with similar properties. This amino acid position is conserved. In addition, the in silico prediction for this alteration is inconclusive. Based on the available evidence, the clinical significance of this variant remains unclear.